The following is an entry in ClinVar:

ClinVar aggregate classification (germline): Likely benign. Review status: criteria provided, multiple submitters, no conflicts (2 of 4 stars). 2 submissions from 2 submitters: Likely benign (2). Last evaluated 2026-09-01.

Allele frequency attached by ClinVar (database versions not stated): gnomAD exomes 0.00001; TOPMed 0.00001.

Submissions (2):

CeGaT Center for Human Genetics Tuebingen
Classification: Likely benign. Last evaluated: 2026-09-01. Review status: criteria provided, single submitter. Criteria: CeGaT Center For Human Genetics Tuebingen Variant Classification Criteria Version 2. Collection method: clinical testing. Allele origin: germline. Affected: yes. Observed: 1 variant allele.
Comment: MYO7A: BP4, BP7

Labcorp Genetics (formerly Invitae), Labcorp
Classification: Likely benign. Last evaluated: 2023-10-28. Review status: criteria provided, single submitter. Criteria: Invitae Variant Classification Sherloc (09022015). Collection method: clinical testing. Allele origin: germline.

NM_000260.4(MYO7A):c.4002C>T (p.Gly1334=)

Gene: MYO7A (myosin VIIA; plus strand). Cytogenetic location: 11q13.5.
Variant type: single nucleotide variant.
Coding change: c.4002C>T on transcript NM_000260.4 (MANE Select); coding-DNA position 4002, C replaced by T.
Protein change: p.Gly1334=; no amino-acid change (glycine 1334 retained).
Molecular consequence: synonymous variant.
Genome position (GRCh38, 1-based): chr11:77,192,128, C>T. VCF-style: chr11-77192128-C-T. GRCh37 (hg19) VCF-style: chr11-76903173-C-T.
Other names: c.4002C>T, p.Gly1334= (NM_001127180.2); c.3969C>T, p.Gly1323= (NM_001369365.1).
Identifiers: ClinVar variation 2165744 (VCV002165744.5), dbSNP rs1565439419, ClinGen allele CA475887082.